The following continues an entry in ClinVar:

NM_001005242.3(PKP2):c.2352C>T (p.Gly784=)

Gene: PKP2. ClinVar aggregate classification (germline): Conflicting classifications of pathogenicity. Pathogenic (1); Likely pathogenic (3); Uncertain significance (5).

Submissions 8 to 10 of 10:

ARUP Laboratories, Molecular Genetics and Genomics, ARUP Laboratories
Classification: Likely pathogenic. Last evaluated: 2017-08-18. Review status: criteria provided, single submitter. Criteria: ARUP Molecular Germline Variant Investigation Process. Collection method: clinical testing. Allele origin: germline.
Comment: In a homozygous state, the c.2484C>T variant (rs727504509) has been reported in the medical literature in two individuals with arrhythmogenic right ventricular dysplasia (Awad 2006, Dalal 2009, den Haan 2009, and Tan 2010) as well as an asymptomatic teenager with abnormal EKG findings (Perrin 2013). Individuals who were heterozygous for the variant were unaffected (Awad 2006). Functional evidence indicates that the c.2484C>T variant creates a cryptic splice site that causes a frame shift, which disrupts the last 54 amino acids, adds an additional 48 residues, and alters protein localization and function (Awad 2006 and Kim 2013). The c.2484C>T variant is listed in the Genome Aggregation Database (gnomAD) browser with a frequency of 0.0036% in non-Finnish Europeans (identified in 4 out of 111,662 chromosomes) and is listed the ClinVar database with conflicting interpretations of pathogenicity (variant of uncertain significance/likely pathogenic; Variation ID: 178879). Based on the available evidence, the c.2484C>T variant is likely to be pathogenic. Pathogenic variants in PKP2 are typically inherited in an autosomal dominant manner and are associated with arrhythmogenic right ventricular dysplasia 9 (MIM: 609040). Because the c.2484C>T variant is reported to be associated with autosomal recessive arrhythmogenic right ventricular dysplasia, it is unlikely that this variant is responsible for the patientâ€™s phenotype; however, a modifying role cannot be ruled out.

Illumina Laboratory Services, Illumina
Classification: Uncertain significance for Arrhythmogenic right ventricular dysplasia 9. Last evaluated: 2017-04-28. Review status: criteria provided, single submitter. Criteria: ICSL Variant Classification Criteria 13 December 2019. Collection method: clinical testing. Allele origin: germline.
Comment: This variant was observed as part of a predisposition screen in an ostensibly healthy population. A literature search was performed for the gene, cDNA change, and amino acid change (where applicable). Publications were found based on this search. However, the evidence from the literature, in combination with allele frequency data from public databases where available, was not sufficient to rule this variant in or out of causing disease. Therefore, this variant is classified as a variant of unknown significance.

Dr. Peter K. Rogan Lab, Western University
No classification provided (evidence only). Condition: Colon adenocarcinoma. Review status: no classification provided. Collection method: in vitro. Allele origin: not applicable. Functional consequence: cryptic splice site, retained intron. Not counted in ClinVar's aggregate classification.

Literature cited by the submitters: PubMed 17041889 (cited by 6 submitters); PubMed 23810883 (cited by 6 submitters); PubMed 23671136 (cited by 3 submitters); PubMed 25971409 (cited by Women's Health and Genetics/Laboratory Corporation of America, LabCorp); PubMed 36129056 (cited by Women's Health and Genetics/Laboratory Corporation of America, LabCorp); PubMed 29961461 (cited by 4 submitters); PubMed 35838873 (cited by Women's Health and Genetics/Laboratory Corporation of America, LabCorp and Ambry Genetics); PubMed 19358943 (cited by 3 submitters); PubMed 20031617 (cited by 4 submitters); PubMed 20857253 (cited by Color Diagnostics, LLC DBA Color Health and Laboratory for Molecular Medicine, Mass General Brigham Personalized Medicine); PubMed 23810894 (cited by 3 submitters); PubMed 37418234 (cited by Color Diagnostics, LLC DBA Color Health); PubMed 23354045 (cited by 3 submitters); PubMed 27030002 (cited by Ambry Genetics); PubMed 31402444 (cited by Ambry Genetics); PubMed 24632794 (cited by Illumina Laboratory Services, Illumina).